The following is an entry in ClinVar:

ClinVar aggregate classification (germline): Uncertain significance (1 of 4 stars; one submission).

Conditions:
Inborn genetic diseases. Identifiers: MedGen C0950123, MeSH D030342.

Allele frequency attached by ClinVar (database versions not stated): gnomAD exomes below 0.00001.
gnomAD v4.1: 1 of 1,612,036 alleles (0.000062%); highest among the groups gnomAD compares: Non-Finnish European, 0.000085%; no homozygotes.

Submission:

Ambry Genetics
Classification: Uncertain significance for Inborn genetic diseases. Last evaluated: 2022-10-11. Review status: criteria provided, single submitter. Criteria: Ambry Variant Classification Scheme 2023. Collection method: clinical testing. Allele origin: germline.
Comment: The p.D2360G variant (also known as c.7079A>G), located in coding exon 48 of the LRRK2 gene, results from an A to G substitution at nucleotide position 7079. The aspartic acid at codon 2360 is replaced by glycine, an amino acid with similar properties. This amino acid position is conserved. In addition, the in silico prediction for this alteration is inconclusive. Since supporting evidence is limited at this time, the clinical significance of this alteration remains unclear.

NM_198578.4(LRRK2):c.7079A>G (p.Asp2360Gly)

Gene: LRRK2 (leucine rich repeat kinase 2; plus strand). Cytogenetic location: 12q12.
Variant type: single nucleotide variant.
Coding change: c.7079A>G on transcript NM_198578.4 (MANE Select); coding-DNA position 7079, A replaced by G.
Protein change: p.Asp2360Gly; replaces aspartic acid 2360 with glycine.
Molecular consequence: missense variant.
Genome position (GRCh38, 1-based): chr12:40,363,452, A>G. VCF-style: chr12-40363452-A-G. GRCh37 (hg19) VCF-style: chr12-40757254-A-G.
Other names: short protein forms D2360G.
Identifiers: ClinVar variation 1757029 (VCV001757029.2), dbSNP rs1946778454, ClinGen allele CA384413273.